The following is an entry in ClinVar:

NM_198239.2(CCN6):c.589+27C>T

Gene: CCN6 (cellular communication network factor 6; plus strand). Cytogenetic location: 6q21.
Variant type: single nucleotide variant.
Coding change: c.589+27C>T on transcript NM_198239.2 (MANE Select); 27 bases into the intron after coding-DNA position 589, C replaced by T.
Molecular consequence: intron variant.
Genome position (GRCh38, 1-based): chr6:112,065,024, C>T. VCF-style: chr6-112065024-C-T. GRCh37 (hg19) VCF-style: chr6-112386227-C-T.
Other names: c.589+27C>T (NM_003880.4, NM_003880.3).
Identifiers: ClinVar variation 1680468 (VCV001680468.41), dbSNP rs200472841, ClinGen allele CA3964016.

ClinVar aggregate classification (germline): Conflicting classifications of pathogenicity. Review status: criteria provided, conflicting classifications (1 of 4 stars). 3 submissions from 3 submitters: Uncertain significance (1); Likely benign (1). 1 of the submissions does not count toward it. Last evaluated 2026-01-24.

Conditions:
CCN6-related disorder. Also called: CCN6-related condition.

Allele frequency attached by ClinVar (database versions not stated): gnomAD 0.00046 and 0.00047; TOPMed 0.00055; ESP Exome Variant Server 0.00092; gnomAD exomes 0.00098.
gnomAD v4.1: 1,519 of 1,613,488 alleles (0.094%); highest among the groups gnomAD compares: Non-Finnish European, 0.12%; 1 homozygote.

Submissions (3):

Labcorp Genetics (formerly Invitae), Labcorp
Classification: Likely benign. Last evaluated: 2026-01-24. Review status: criteria provided, single submitter. Criteria: Invitae Variant Classification Sherloc (09022015). Collection method: clinical testing. Allele origin: germline.

CeGaT Center for Human Genetics Tuebingen
Classification: Uncertain significance. Last evaluated: 2022-06-01. Review status: criteria provided, single submitter. Criteria: CeGaT Center For Human Genetics Tuebingen Variant Classification Criteria Version 2. Collection method: clinical testing. Allele origin: germline. Affected: yes. Observed: 2 variant alleles.
Comment: CCN6: PM2:Supporting, PM3:Supporting, BP4

PreventionGenetics, part of Exact Sciences
Classification: Likely benign for CCN6-related condition. Last evaluated: 2019-06-19. Review status: no assertion criteria provided. Collection method: clinical testing. Allele origin: germline. Not counted in ClinVar's aggregate classification.
Comment: This variant is classified as likely benign based on ACMG/AMP sequence variant interpretation guidelines (Richards et al. 2015 PMID: 25741868, with internal and published modifications).